The following is an entry in ClinVar:

NM_000337.6(SGCD):c.108T>G (p.Tyr36Ter)

Gene: SGCD (sarcoglycan delta; plus strand). Cytogenetic location: 5q33.3.
Variant type: single nucleotide variant.
Coding change: c.108T>G on transcript NM_000337.6 (MANE Select); coding-DNA position 108, T replaced by G.
Protein change: p.Tyr36Ter; replaces tyrosine 36 with a stop codon.
Molecular consequence: nonsense.
Genome position (GRCh38, 1-based): chr5:156,344,593, T>G. VCF-style: chr5-156344593-T-G. GRCh37 (hg19) VCF-style: chr5-155771603-T-G.
Other names: c.105T>G, p.Tyr35Ter (NM_001128209.2); c.108T>G, p.Tyr36Ter (NM_172244.3); short protein forms Y36*, Y35*.
Identifiers: ClinVar variation 5004273 (VCV005004273.1).
Genomic context (GRCh38, chr5:156,344,593, plus strand): 5'-CTCTGTGGGGCCACAGGTATACAAGGTGGGGATTTATGGCTGGCGGAAACGATGCCTGTA[T>G]TTCTTTGTCCTGCTCCTCATGATTTTAATACTGGTGAACTTGGCCATGACCATCTGGATT-3'

ClinVar aggregate classification (germline): Pathogenic (1 of 4 stars; one submission).

Conditions:
Autosomal recessive limb-girdle muscular dystrophy type 2F (LGMDR6). Also called: Muscular dystrophy limb-girdle with delta-sarcoglyan deficiency; MUSCULAR DYSTROPHY, LIMB-GIRDLE, AUTOSOMAL RECESSIVE 6. Identifiers: Orphanet 219, MedGen C1832525, MONDO:0011028, OMIM 601287. Disease mechanism: Affects gamma-sarcoglycan and also disrupts the integrity of the entire sarcoglycan complex..

Submission:

Myriad Genetics, Inc.
Classification: Pathogenic for Autosomal recessive limb-girdle muscular dystrophy type 2F. Last evaluated: 2025-11-12. Review status: criteria provided, single submitter. Criteria: Myriad Autosomal Dominant, Autosomal Recessive and X-Linked Classification Criteria (2023). Collection method: clinical testing. Allele origin: unknown.
Comment: NM_000337.5(SGCD):c.108T>G(Y36*) is a nonsense variant classified as pathogenic in the context of delta-sarcoglycanopathy. Y36* has not been observed in cases with relevant disease. Relevant functional assessments of this variant are not available in the literature. Y36* has not been observed in referenced population frequency databases. In summary, NM_000337.5(SGCD):c.108T>G(Y36*) is a nonsense variant in a gene where loss of function is a known mechanism of disease and is predicted to disrupt protein function. Please note: this variant was assessed in the context of healthy population screening.